The following is an entry in ClinVar:

NM_001130144.3(LTBP3):c.3857C>T (p.Ala1286Val)

Gene: LTBP3 (latent transforming growth factor beta binding protein 3; minus strand). Cytogenetic location: 11q13.1.
Variant type: single nucleotide variant.
Coding change: c.3857C>T on transcript NM_001130144.3 (MANE Select); coding-DNA position 3857, C replaced by T.
Protein change: p.Ala1286Val; replaces alanine 1286 with valine.
Molecular consequence: missense variant.
Genome position (GRCh38, 1-based): chr11:65,539,135, G>A on the plus strand (C>T on the coding strand, the complement: LTBP3 is on the minus strand). VCF-style: chr11-65539135-G-A. GRCh37 (hg19) VCF-style: chr11-65306606-G-A.
Other names: c.3365C>T, p.Ala1122Val (NM_001164266.1); c.3716C>T, p.Ala1239Val (NM_021070.4); short protein forms A1239V, A1122V, A1286V.
Identifiers: ClinVar variation 2105581 (VCV002105581.4), dbSNP rs1176135281, ClinGen allele CA381265855.

ClinVar aggregate classification (germline): Uncertain significance (1 of 4 stars; one submission).

Conditions:
Brachyolmia-amelogenesis imperfecta syndrome. Also called: Tooth agenesis, selective, 6; Dental anomalies and short stature; PLATYSPONDYLY WITH AMELOGENESIS IMPERFECTA. Identifiers: Orphanet 2899, MedGen C1832594, MONDO:0011018, OMIM 601216. Disease mechanism: loss of function.

Allele frequency attached by ClinVar (database versions not stated): gnomAD exomes below 0.00001.
gnomAD v4.1: 3 of 1,486,206 alleles (0.0002%); highest among the groups gnomAD compares: Non-Finnish European, 0.00027%; no homozygotes.

Submission:

Labcorp Genetics (formerly Invitae), Labcorp
Classification: Uncertain significance for Brachyolmia-amelogenesis imperfecta syndrome. Last evaluated: 2025-03-17. Review status: criteria provided, single submitter. Criteria: Invitae Variant Classification Sherloc (09022015). Collection method: clinical testing. Allele origin: germline.
Comment: This sequence change replaces alanine, which is neutral and non-polar, with valine, which is neutral and non-polar, at codon 1286 of the LTBP3 protein (p.Ala1286Val). The frequency data for this variant in the population databases is considered unreliable, as metrics indicate poor data quality at this position in the gnomAD database. This variant has not been reported in the literature in individuals affected with LTBP3-related conditions. ClinVar contains an entry for this variant (Variation ID: 2105581). An algorithm developed to predict the effect of missense changes on protein structure and function (PolyPhen-2) suggests that this variant is likely to be disruptive. In summary, the available evidence is currently insufficient to determine the role of this variant in disease. Therefore, it has been classified as a Variant of Uncertain Significance.